The following is an entry in ClinVar:

ClinVar aggregate classification (germline): Uncertain significance. Review status: criteria provided, multiple submitters, no conflicts (2 of 4 stars). 2 submissions from 2 submitters: Uncertain significance (2). Last evaluated 2025-08-08.

Conditions:
Inborn genetic diseases. Identifiers: MedGen C0950123, MeSH D030342.
Pontocerebellar hypoplasia type 1A (PCH1A). Also called: PONTOCEREBELLAR HYPOPLASIA WITH ANTERIOR HORN CELL DISEASE; PONTOCEREBELLAR HYPOPLASIA WITH INFANTILE SPINAL MUSCULAR ATROPHY. Identifiers: Orphanet 2254, Orphanet 88616, MedGen C1843504, MONDO:0011866, OMIM 607596.

Allele frequency attached by ClinVar (database versions not stated): gnomAD exomes below 0.00001.
gnomAD v4.1: 4 of 1,613,574 alleles (0.00025%); highest among the groups gnomAD compares: Non-Finnish European, 0.00017%; no homozygotes.

Submissions (2):

Ambry Genetics
Classification: Uncertain significance for Inborn genetic diseases. Last evaluated: 2025-08-08. Review status: criteria provided, single submitter. Criteria: Ambry Variant Classification Scheme 2023. Collection method: clinical testing. Allele origin: germline.

Labcorp Genetics (formerly Invitae), Labcorp
Classification: Uncertain significance for Pontocerebellar hypoplasia type 1A. Last evaluated: 2022-02-28. Review status: criteria provided, single submitter. Criteria: Invitae Variant Classification Sherloc (09022015). Collection method: clinical testing. Allele origin: germline.
Comment: This sequence change replaces lysine, which is basic and polar, with glutamic acid, which is acidic and polar, at codon 366 of the VRK1 protein (p.Lys366Glu). This variant is not present in population databases (gnomAD no frequency). This variant has not been reported in the literature in individuals affected with VRK1-related conditions. Algorithms developed to predict the effect of missense changes on protein structure and function (SIFT, PolyPhen-2, Align-GVGD) all suggest that this variant is likely to be tolerated. In summary, the available evidence is currently insufficient to determine the role of this variant in disease. Therefore, it has been classified as a Variant of Uncertain Significance.

NM_003384.3(VRK1):c.1096A>G (p.Lys366Glu)

Gene: VRK1 (VRK serine/threonine kinase 1; plus strand). Cytogenetic location: 14q32.2.
Variant type: single nucleotide variant.
Coding change: c.1096A>G on transcript NM_003384.3 (MANE Select); coding-DNA position 1096, A replaced by G.
Protein change: p.Lys366Glu; replaces lysine 366 with glutamic acid.
Molecular consequence: missense variant.
Genome position (GRCh38, 1-based): chr14:96,876,057, A>G. VCF-style: chr14-96876057-A-G. GRCh37 (hg19) VCF-style: chr14-97342394-A-G.
Other names: c.1096A>G (NM_003384.2); c.1096A>G, p.Lys366Glu (NM_001411051.1); c.1093A>G, p.Lys365Glu (NM_001411053.1); short protein forms K365E, K366E.
Identifiers: ClinVar variation 2162463 (VCV002162463.2), dbSNP rs987874554, ClinGen allele CA266092621.
Genomic context (GRCh38, chr14:96,876,057, plus strand): 5'-ATCTCTCTCTCTCTCTTTAATTTTATATGTAAGAAGCGAAAGAAAGAAATTGAAGAAAGC[A>G]AGGAACCTGGTGTTGAAGATACGGAATGGTCAAACACACAGACAGAGGAGGCCATACAGA-3'
Protein context (NP_003375.1, residues 356-376): KKRKKEIEES[Lys366Glu]EPGVEDTEWS